The following is an entry in ClinVar:

ClinVar aggregate classification (germline): Pathogenic (1 of 4 stars; one submission).

Conditions:
Familial cancer of breast. Also called: BREAST CANCER, FAMILIAL; Hereditary breast cancer; hereditary breast carcinoma. Identifiers: Orphanet 227535, MedGen C0346153, MONDO:0016419, OMIM 114480. Disease mechanism: loss of function.

Submission:

Labcorp Genetics (formerly Invitae), Labcorp
Classification: Pathogenic for Familial cancer of breast. Last evaluated: 2023-12-01. Review status: criteria provided, single submitter. Criteria: Invitae Variant Classification Sherloc (09022015). Collection method: clinical testing. Allele origin: unknown.
Comment: This variant is a gross deletion of the genomic region encompassing exon(s) 4-6 of the BARD1 gene. This deletion is out-of-frame, and is expected to create a premature termination codon and result in an absent or disrupted protein product. Loss-of-function variants in BARD1 are known to be pathogenic (PMID: 20077502, 21344236). This variant has not been reported in the literature in individuals affected with BARD1-related conditions. For these reasons, this variant has been classified as Pathogenic.

Literature cited by the submitters: PubMed 20077502; PubMed 21344236.

NC_000002.11:g.(?_215625786)_(215646344_?)del

Gene: BARD1 (BRCA1 associated RING domain 1; minus strand). Cytogenetic location: 2q35.
Variant type: Deletion.
Identifiers: ClinVar variation 3247174 (VCV003247174.1).